The following is an entry in ClinVar:

ClinVar aggregate classification (germline): Likely benign. Review status: criteria provided, multiple submitters, no conflicts (2 of 4 stars). 6 submissions from 5 submitters: Likely benign (6). Last evaluated 2026-01-18.

Conditions:
Familial cutaneous telangiectasia and oropharyngeal predisposition cancer syndrome. Identifiers: Orphanet 313846, MedGen C3281203, MONDO:0013806, OMIM 614564.
Seckel syndrome 1 (SCKL1). Also called: MICROCEPHALIC PRIMORDIAL DWARFISM I. Identifiers: Orphanet 808, MedGen C4551474, MONDO:0008869, OMIM 210600.
Inborn genetic diseases. Identifiers: MedGen C0950123, MeSH D030342.

Allele frequency attached by ClinVar (database versions not stated): gnomAD exomes below 0.00001 and 0.00001; TOPMed below 0.00001; gnomAD 0.00001; ExAC 0.00002.
gnomAD v4.1: 22 of 1,614,068 alleles (0.0014%); highest among the groups gnomAD compares: East Asian, 0.0067%; no homozygotes.

Submissions (6):

Labcorp Genetics (formerly Invitae), Labcorp
Classification: Likely benign. Last evaluated: 2026-01-18. Review status: criteria provided, single submitter. Criteria: Invitae Variant Classification Sherloc (09022015). Collection method: clinical testing. Allele origin: germline.

Blueprint Genetics
Classification: Likely benign. Last evaluated: 2023-05-11. Review status: criteria provided, single submitter. Criteria: ACMG Guidelines, 2015. Collection method: clinical testing. Allele origin: germline.

Genome-Nilou Lab
Classification: Likely benign for Seckel syndrome 1. Last evaluated: 2023-02-08. Review status: criteria provided, single submitter. Criteria: ACMG Guidelines, 2015. Collection method: clinical testing. Allele origin: germline.

Genome-Nilou Lab
Classification: Likely benign for Familial cutaneous telangiectasia and oropharyngeal predisposition cancer syndrome. Last evaluated: 2023-02-08. Review status: criteria provided, single submitter. Criteria: ACMG Guidelines, 2015. Collection method: clinical testing. Allele origin: germline.

Ambry Genetics
Classification: Likely benign for Inborn genetic diseases. Last evaluated: 2022-03-13. Review status: criteria provided, single submitter. Criteria: Ambry Variant Classification Scheme 2023. Collection method: clinical testing. Allele origin: germline.

GeneDx
Classification: Likely benign. Last evaluated: 2017-02-16. Review status: criteria provided, single submitter. Criteria: GeneDx Variant Classification (06012015). Collection method: clinical testing. Allele origin: germline. Affected: yes.
Comment: This variant is considered likely benign or benign based on one or more of the following criteria: it is a conservative change, it occurs at a poorly conserved position in the protein, it is predicted to be benign by multiple in silico algorithms, and/or has population frequency not consistent with disease.

NM_001184.4(ATR):c.744A>C (p.Ala248=)

Gene: ATR (ATR checkpoint kinase; minus strand). Cytogenetic location: 3q23.
Variant type: single nucleotide variant.
Coding change: c.744A>C on transcript NM_001184.4 (MANE Select); coding-DNA position 744, A replaced by C.
Protein change: p.Ala248=; no amino-acid change (alanine 248 retained).
Molecular consequence: synonymous variant.
Genome position (GRCh38, 1-based): chr3:142,562,658, T>G on the plus strand (A>C on the coding strand, the complement: ATR is on the minus strand). VCF-style: chr3-142562658-T-G. GRCh37 (hg19) VCF-style: chr3-142281500-T-G.
Other names: c.744A>C, p.Ala248= (NM_001354579.2).
Identifiers: ClinVar variation 507418 (VCV000507418.13), dbSNP rs368117837, ClinGen allele CA2650729.
Genomic context (GRCh38, chr3:142,562,658, plus strand): 5'-AGTGCTAGCTGGTTGTGCTGGTAGTCCTCCAAGCTGAAAAAGTTCTGTTAAAAAGCTAAT[T>G]GCTAGGGATTTAATTTTTGGACTACCATACTCTAGCAGAACACAACCTATCTGCCAAAGT-3'
Protein context (NP_001175.2, residues 238-258): EYGSPKIKSL[Ala248=]ISFLTELFQL